The following is an entry in ClinVar:

NM_001276270.2(MBD4):c.1582C>T (p.Leu528Phe)

Gene: MBD4 (methyl-CpG binding domain 4, DNA glycosylase; minus strand). Cytogenetic location: 3q21.3.
Variant type: single nucleotide variant.
Coding change: c.1582C>T on transcript NM_001276270.2 (MANE Select); coding-DNA position 1582, C replaced by T.
Protein change: p.Leu528Phe; replaces leucine 528 with phenylalanine.
Molecular consequence: missense variant.
Genome position (GRCh38, 1-based): chr3:129,432,568, G>A on the plus strand (C>T on the coding strand, the complement: MBD4 is on the minus strand). VCF-style: chr3-129432568-G-A. GRCh37 (hg19) VCF-style: chr3-129151411-G-A.
Other names: c.1600C>T, p.Leu534Phe (NM_001276271.2, NM_001276272.2, NM_003925.3); c.646C>T, p.Leu216Phe (NM_001276273.2); short protein forms L534F, L216F, L528F.
Identifiers: ClinVar variation 3688441 (VCV003688441.4).

ClinVar aggregate classification (germline): Uncertain significance. Review status: criteria provided, multiple submitters, no conflicts (2 of 4 stars). 2 submissions from 2 submitters: Uncertain significance (2). Last evaluated 2025-05-15.

Conditions:
Inborn genetic diseases. Identifiers: MedGen C0950123, MeSH D030342.

Submissions (2):

Labcorp Genetics (formerly Invitae), Labcorp
Classification: Uncertain significance. Last evaluated: 2025-05-15. Review status: criteria provided, single submitter. Criteria: Invitae Variant Classification Sherloc (09022015). Collection method: clinical testing. Allele origin: germline.
Comment: This sequence change replaces leucine, which is neutral and non-polar, with phenylalanine, which is neutral and non-polar, at codon 534 of the MBD4 protein (p.Leu534Phe). This variant is not present in population databases (gnomAD no frequency). This variant has not been reported in the literature in individuals affected with MBD4-related conditions. ClinVar contains an entry for this variant (Variation ID: 3688441). An algorithm developed to predict the effect of missense changes on protein structure and function (PolyPhen-2) suggests that this variant is likely to be disruptive. In summary, the available evidence is currently insufficient to determine the role of this variant in disease. Therefore, it has been classified as a Variant of Uncertain Significance.

Ambry Genetics
Classification: Uncertain significance for Inborn genetic diseases. Last evaluated: 2025-03-15. Review status: criteria provided, single submitter. Criteria: Ambry Variant Classification Scheme 2023. Collection method: clinical testing. Allele origin: germline.
Comment: The p.L528F variant (also known as c.1582C>T), located in coding exon 7 of the MBD4 gene, results from a C to T substitution at nucleotide position 1582. The leucine at codon 528 is replaced by phenylalanine, an amino acid with highly similar properties. This amino acid position is conserved. In addition, this alteration is predicted to be deleterious by in silico analysis. Based on the available evidence, the clinical significance of this variant remains unclear.